The following is an entry in ClinVar:

ClinVar aggregate classification (germline): Uncertain significance. Review status: criteria provided, multiple submitters, no conflicts (2 of 4 stars). 2 submissions from 2 submitters: Uncertain significance (2). Last evaluated 2025-12-11.

Conditions:
Warburg micro syndrome 3 (WARBM3). Also called: MICRO SYNDROME 3. Identifiers: Orphanet 2510, MedGen C3280203, MONDO:0013638, OMIM 614222.

Allele frequency attached by ClinVar (database versions not stated): ExAC 0.00001; gnomAD 0.00001; gnomAD exomes 0.00001 and 0.00002; TOPMed 0.00002.
gnomAD v4.1: 12 of 1,612,188 alleles (0.00074%); highest among the groups gnomAD compares: Admixed American, 0.0017%; no homozygotes.

Submissions (2):

Labcorp Genetics (formerly Invitae), Labcorp
Classification: Uncertain significance. Last evaluated: 2025-12-11. Review status: criteria provided, single submitter. Criteria: Invitae Variant Classification Sherloc (09022015). Collection method: clinical testing. Allele origin: germline.
Comment: This sequence change replaces isoleucine, which is neutral and non-polar, with methionine, which is neutral and non-polar, at codon 61 of the RAB18 protein (p.Ile61Met). This variant is present in population databases (rs767743901, gnomAD 0.006%). This variant has not been reported in the literature in individuals affected with RAB18-related conditions. ClinVar contains an entry for this variant (Variation ID: 1416085). An algorithm developed to predict the effect of missense changes on protein structure and function (PolyPhen-2) suggests that this variant is likely to be disruptive. In summary, the available evidence is currently insufficient to determine the role of this variant in disease. Therefore, it has been classified as a Variant of Uncertain Significance.

Genomic Medicine Center of Excellence, King Faisal Specialist Hospital and Research Centre
Classification: Uncertain significance for Warburg micro syndrome 3. Last evaluated: 2024-09-22. Review status: criteria provided, single submitter. Criteria: ACMG Guidelines, 2015. Collection method: clinical testing. Allele origin: germline.

NM_021252.5(RAB18):c.183A>G (p.Ile61Met)

Gene: RAB18 (RAB18, member RAS oncogene family; plus strand). Cytogenetic location: 10p12.1.
Variant type: single nucleotide variant.
Coding change: c.183A>G on transcript NM_021252.5 (MANE Select); coding-DNA position 183, A replaced by G.
Protein change: p.Ile61Met; replaces isoleucine 61 with methionine.
Molecular consequence: missense variant.
Genome position (GRCh38, 1-based): chr10:27,526,886, A>G. VCF-style: chr10-27526886-A-G. GRCh37 (hg19) VCF-style: chr10-27815815-A-G.
Other names: c.183A>G, p.Ile61Met (NM_001256410.2, NM_001256411.2, NM_001256412.2); short protein forms I61M.
Identifiers: ClinVar variation 1416085 (VCV001416085.9), dbSNP rs767743901, ClinGen allele CA5452256.